The following is an entry in ClinVar:

NM_004329.3(BMPR1A):c.520T>C (p.Phe174Leu)

Gene: BMPR1A (bone morphogenetic protein receptor type 1A; plus strand). Cytogenetic location: 10q23.2.
Variant type: single nucleotide variant.
Coding change: c.520T>C on transcript NM_004329.3 (MANE Select); coding-DNA position 520, T replaced by C.
Protein change: p.Phe174Leu; replaces phenylalanine 174 with leucine.
Molecular consequence: missense variant.
Genome position (GRCh38, 1-based): chr10:86,900,116, T>C. VCF-style: chr10-86900116-T-C. GRCh37 (hg19) VCF-style: chr10-88659873-T-C.
Other names: short protein forms F174L.
Identifiers: ClinVar variation 1037830 (VCV001037830.9), dbSNP rs1843288421, ClinGen allele CA377450711.

ClinVar aggregate classification (germline): Uncertain significance (1 of 4 stars; one submission).

Conditions:
Juvenile polyposis syndrome (JPS). Identifiers: Orphanet 2929, MedGen C0345893, MONDO:0017380, OMIM 174900.

Submission:

Labcorp Genetics (formerly Invitae), Labcorp
Classification: Uncertain significance for Juvenile polyposis syndrome. Last evaluated: 2020-06-08. Review status: criteria provided, single submitter. Criteria: Invitae Variant Classification Sherloc (09022015). Collection method: clinical testing. Allele origin: germline.
Comment: This sequence change replaces phenylalanine with leucine at codon 174 of the BMPR1A protein (p.Phe174Leu). The phenylalanine residue is moderately conserved and there is a small physicochemical difference between phenylalanine and leucine. This variant is not present in population databases (ExAC no frequency). This variant has not been reported in the literature in individuals with BMPR1A-related conditions. Algorithms developed to predict the effect of missense changes on protein structure and function (SIFT, PolyPhen-2, Align-GVGD) all suggest that this variant is likely to be tolerated, but these predictions have not been confirmed by published functional studies and their clinical significance is uncertain. In summary, the available evidence is currently insufficient to determine the role of this variant in disease. Therefore, it has been classified as a Variant of Uncertain Significance.